The following is an entry in ClinVar:

ClinVar aggregate classification (germline): Uncertain significance (1 of 4 stars; one submission).

Conditions:
Hereditary cancer-predisposing syndrome. Also called: Neoplastic Syndromes, Hereditary; Tumor predisposition; Hereditary neoplastic syndrome; Hereditary Cancer Syndrome. Identifiers: Orphanet 140162, MedGen C0027672, MeSH D009386, MONDO:0015356.

Submission:

Color Diagnostics, LLC DBA Color Health
Classification: Uncertain significance for Hereditary cancer-predisposing syndrome. Last evaluated: 2023-12-05. Review status: criteria provided, single submitter. Criteria: ACMG Guidelines, 2015. Collection method: clinical testing. Allele origin: germline.
Comment: This missense variant replaces glycine with valine at codon 400 of the CHEK2 protein. Computational prediction suggests that this variant may not impact protein structure and function (internally defined REVEL score threshold <= 0.5, PMID: 27666373). To our knowledge, functional studies have not been reported for this variant. This variant has not been reported in individuals affected with CHEK2-related disorders in the literature. This variant has not been identified in the general population by the Genome Aggregation Database (gnomAD). The available evidence is insufficient to determine the role of this variant in disease conclusively. Therefore, this variant is classified as a Variant of Uncertain Significance.

NM_007194.4(CHEK2):c.1199G>T (p.Gly400Val)

Gene: CHEK2 (checkpoint kinase 2; minus strand). Cytogenetic location: 22q12.1.
Variant type: single nucleotide variant.
Coding change: c.1199G>T on transcript NM_007194.4 (MANE Select); coding-DNA position 1199, G replaced by T.
Protein change: p.Gly400Val; replaces glycine 400 with valine.
Molecular consequence: missense variant.
Genome position (GRCh38, 1-based): chr22:28,695,770, C>A on the plus strand (G>T on the coding strand, the complement: CHEK2 is on the minus strand). VCF-style: chr22-28695770-C-A. GRCh37 (hg19) VCF-style: chr22-29091758-C-A.
Other names: c.1328G>T, p.Gly443Val (NM_001005735.3); c.536G>T, p.Gly179Val (NM_001257387.3); c.998G>T, p.Gly333Val (NM_001349956.3); c.1112G>T, p.Gly371Val (NM_145862.3); short protein forms G400V, G179V, G333V, G443V, G371V.
Identifiers: ClinVar variation 628881 (VCV000628881.3), dbSNP rs1476312560, ClinGen allele CA411096774.